The following is an entry in ClinVar:

NM_001292063.2(OTOG):c.6295C>T (p.Arg2099Trp)

Gene: OTOG (otogelin; plus strand). Cytogenetic location: 11p15.1.
Variant type: single nucleotide variant.
Coding change: c.6295C>T on transcript NM_001292063.2 (MANE Select); coding-DNA position 6295, C replaced by T.
Protein change: p.Arg2099Trp; replaces arginine 2099 with tryptophan.
Molecular consequence: missense variant.
Genome position (GRCh38, 1-based): chr11:17,612,622, C>T. VCF-style: chr11-17612622-C-T. GRCh37 (hg19) VCF-style: chr11-17634169-C-T.
Other names: c.6331C>T, p.Arg2111Trp (NM_001277269.2); short protein forms R2099W, R2111W.
Identifiers: ClinVar variation 1910716 (VCV001910716.6), dbSNP rs752377628, ClinGen allele CA5906019.

ClinVar aggregate classification (germline): Uncertain significance. Review status: criteria provided, multiple submitters, no conflicts (2 of 4 stars). 2 submissions from 2 submitters: Uncertain significance (2). Last evaluated 2025-08-15.

Allele frequency attached by ClinVar (database versions not stated): ExAC 0.00007.
gnomAD v4.1: 20 of 1,549,782 alleles (0.0013%); highest among the groups gnomAD compares: African/African-American, 0.0082%; no homozygotes.

Submissions (2):

Labcorp Genetics (formerly Invitae), Labcorp
Classification: Uncertain significance. Last evaluated: 2025-08-15. Review status: criteria provided, single submitter. Criteria: Invitae Variant Classification Sherloc (09022015). Collection method: clinical testing. Allele origin: germline.
Comment: This sequence change replaces arginine, which is basic and polar, with tryptophan, which is neutral and slightly polar, at codon 2111 of the OTOG protein (p.Arg2111Trp). The frequency data for this variant in the population databases is considered unreliable, as metrics indicate poor data quality at this position in the gnomAD database. This missense change has been observed in individual(s) with deafness (internal data). ClinVar contains an entry for this variant (Variation ID: 1910716). An algorithm developed to predict the effect of missense changes on protein structure and function (PolyPhen-2) suggests that this variant is likely to be disruptive. In summary, the available evidence is currently insufficient to determine the role of this variant in disease. Therefore, it has been classified as a Variant of Uncertain Significance.

Blueprint Genetics
Classification: Uncertain significance. Last evaluated: 2023-06-12. Review status: criteria provided, single submitter. Criteria: ACMG Guidelines, 2015. Collection method: clinical testing. Allele origin: germline.